The following is an entry in ClinVar:

NM_006914.4(RORB):c.682C>T (p.Gln228Ter)

Gene: RORB (RAR related orphan receptor B; plus strand). Cytogenetic location: 9q21.13.
Variant type: single nucleotide variant.
Coding change: c.682C>T on transcript NM_006914.4 (MANE Select); coding-DNA position 682, C replaced by T.
Protein change: p.Gln228Ter; replaces glutamine 228 with a stop codon.
Molecular consequence: nonsense.
Genome position (GRCh38, 1-based): chr9:74,660,661, C>T. VCF-style: chr9-74660661-C-T. GRCh37 (hg19) VCF-style: chr9-77275577-C-T.
Other names: c.715C>T, p.Gln239Ter (NM_001365023.1); short protein forms Q228*, Q239*.
Identifiers: ClinVar variation 4291106 (VCV004291106.1).

ClinVar aggregate classification (germline): Pathogenic (1 of 4 stars; one submission).

Conditions:
Epilepsy, idiopathic generalized, susceptibility to, 15 (EIG15). Identifiers: MedGen C5193050, MONDO:0032699, OMIM 618357.

Submission:

Institute of Human Genetics, University of Leipzig Medical Center
Classification: Pathogenic for Epilepsy, idiopathic generalized, susceptibility to, 15. Last evaluated: 2025-09-10. Review status: criteria provided, single submitter. Criteria: ACMG Guidelines, 2015. Collection method: clinical testing. Allele origin: unknown. Inheritance: Autosomal dominant inheritance. Affected: yes.
Comment: Criteria applied: PVS1,PM2